The following is an entry in ClinVar:

ClinVar aggregate classification (germline): Uncertain significance (1 of 4 stars; one submission).

Conditions:
Mucopolysaccharidosis, MPS-III-B (MPS3B). Also called: N-ACETYL-ALPHA-D-GLUCOSAMINIDASE DEFICIENCY; NAGLU DEFICIENCY; SANFILIPPO SYNDROME B; MPS III B; Mucopolysaccharidosis type IIIB (Sanfilippo B); MPS IIIB (Sanfilippo Syndrome Type B). Identifiers: Orphanet 79270, MedGen C0086648, MONDO:0009656, OMIM 252920.
Charcot-Marie-Tooth disease axonal type 2V. Also called: CHARCOT-MARIE-TOOTH NEUROPATHY, TYPE 2V; CHARCOT-MARIE-TOOTH DISEASE, AXONAL, AUTOSOMAL DOMINANT, TYPE 2V. Identifiers: Orphanet 447964, MedGen C5569050, MONDO:0014665, OMIM 616491.

Allele frequency attached by ClinVar (database versions not stated): gnomAD exomes below 0.00001; gnomAD 0.00001.

Submission:

Labcorp Genetics (formerly Invitae), Labcorp
Classification: Uncertain significance for Charcot-Marie-Tooth disease axonal type 2V; Mucopolysaccharidosis, MPS-III-B. Last evaluated: 2022-08-09. Review status: criteria provided, single submitter. Criteria: Invitae Variant Classification Sherloc (09022015). Collection method: clinical testing. Allele origin: germline.
Comment: This sequence change replaces asparagine, which is neutral and polar, with serine, which is neutral and polar, at codon 700 of the NAGLU protein (p.Asn700Ser). This variant is not present in population databases (gnomAD no frequency). This variant has not been reported in the literature in individuals affected with NAGLU-related conditions. Advanced modeling of protein sequence and biophysical properties (such as structural, functional, and spatial information, amino acid conservation, physicochemical variation, residue mobility, and thermodynamic stability) performed at Invitae indicates that this missense variant is not expected to disrupt NAGLU protein function. In summary, the available evidence is currently insufficient to determine the role of this variant in disease. Therefore, it has been classified as a Variant of Uncertain Significance.

NM_000263.4(NAGLU):c.2099A>G (p.Asn700Ser)

Gene: NAGLU (N-acetyl-alpha-glucosaminidase; plus strand). Cytogenetic location: 17q21.2.
Variant type: single nucleotide variant.
Coding change: c.2099A>G on transcript NM_000263.4 (MANE Select); coding-DNA position 2099, A replaced by G.
Protein change: p.Asn700Ser; replaces asparagine 700 with serine.
Molecular consequence: missense variant.
Genome position (GRCh38, 1-based): chr17:42,544,105, A>G. VCF-style: chr17-42544105-A-G. GRCh37 (hg19) VCF-style: chr17-40696123-A-G.
Other names: short protein forms N700S.
Identifiers: ClinVar variation 2054079 (VCV002054079.1), dbSNP rs1567894405, ClinGen allele CA399606156.